The following is an entry in ClinVar:

ClinVar aggregate classification (germline): Benign/Likely benign. Review status: criteria provided, multiple submitters, no conflicts (2 of 4 stars). 9 submissions from 9 submitters: Benign (3); Likely benign (5). 1 of the submissions does not count toward it. Last evaluated 2026-01-19.

Conditions:
Cardiovascular phenotype. Identifiers: MedGen CN230736.
CACNA1C-related disorder. Also called: CACNA1C-related condition; CACNA1C-related disorders. Identifiers: MedGen CN381092, MONDO:0700321.
Long QT syndrome (LQTS). Identifiers: MedGen C0023976, MeSH D008133, MONDO:0002442. Disease mechanism: loss of function. Inheritance: Various modes of inheritance.

Allele frequency attached by ClinVar (database versions not stated): ESP Exome Variant Server 0.00016; gnomAD 0.00016 and 0.00023; 1000 Genomes Project 0.00020; gnomAD exomes 0.00024 and 0.00029; ExAC 0.00028; 1000 Genomes Project 30x 0.00031; TOPMed 0.00040.
gnomAD v4.1: 382 of 1,612,498 alleles (0.024%); highest among the groups gnomAD compares: Middle Eastern, 0.15%; no homozygotes.

Submissions (9):

Labcorp Genetics (formerly Invitae), Labcorp
Classification: Benign for Long QT syndrome. Last evaluated: 2026-01-19. Review status: criteria provided, single submitter. Criteria: Invitae Variant Classification Sherloc (09022015). Collection method: clinical testing. Allele origin: germline.

CeGaT Center for Human Genetics Tuebingen
Classification: Likely benign. Last evaluated: 2025-12-01. Review status: criteria provided, single submitter. Criteria: CeGaT Center For Human Genetics Tuebingen Variant Classification Criteria Version 2. Collection method: clinical testing. Allele origin: germline. Affected: yes. Observed: 5 variant alleles.
Comment: CACNA1C: BP4, BP7

Blueprint Genetics
Classification: Likely benign. Last evaluated: 2024-09-16. Review status: criteria provided, single submitter. Criteria: ACMG Guidelines, 2015. Collection method: clinical testing. Allele origin: germline.

Women's Health and Genetics/Laboratory Corporation of America, LabCorp
Classification: Benign. Last evaluated: 2023-10-19. Review status: criteria provided, single submitter. Criteria: LabCorp Variant Classification Summary - May 2015. Collection method: clinical testing. Allele origin: germline.

ARUP Laboratories, Molecular Genetics and Genomics, ARUP Laboratories
Classification: Benign. Last evaluated: 2022-02-28. Review status: criteria provided, single submitter. Criteria: ARUP Molecular Germline Variant Investigation Process 2021. Collection method: clinical testing. Allele origin: germline.

GeneDx
Classification: Likely benign. Last evaluated: 2019-04-10. Review status: criteria provided, single submitter. Criteria: GeneDx Variant Classification Process June 2021. Collection method: clinical testing. Allele origin: germline. Affected: yes.

Ambry Genetics
Classification: Likely benign for Cardiovascular phenotype. Last evaluated: 2016-06-06. Review status: criteria provided, single submitter. Criteria: Ambry Variant Classification Scheme 2023. Collection method: clinical testing. Allele origin: germline.

Breakthrough Genomics
Classification: Likely benign. Review status: criteria provided, single submitter. Criteria: ACMG Guidelines, 2015. Collection method: not provided. Allele origin: germline. Inheritance: Autosomal dominant inheritance. Affected: yes.

PreventionGenetics, part of Exact Sciences
Classification: Likely benign for CACNA1C-related condition. Last evaluated: 2024-02-08. Review status: no assertion criteria provided. Collection method: clinical testing. Allele origin: germline. Not counted in ClinVar's aggregate classification.
Comment: This variant is classified as likely benign based on ACMG/AMP sequence variant interpretation guidelines (Richards et al. 2015 PMID: 25741868, with internal and published modifications).

NM_000719.7(CACNA1C):c.5478G>A (p.Ala1826=)

Genes: CACNA1C (calcium voltage-gated channel subunit alpha1 C; plus strand), CACNA1C-AS1 (CACNA1C antisense RNA 1; minus strand). Cytogenetic location: 12p13.33.
Variant type: single nucleotide variant.
Coding change: c.5478G>A on transcript NM_000719.7 (MANE Select); coding-DNA position 5478, G replaced by A.
Protein change: p.Ala1826=; no amino-acid change (alanine 1826 retained).
Molecular consequence: synonymous variant.
Genome position (GRCh38, 1-based): chr12:2,682,583, G>A. VCF-style: chr12-2682583-G-A. GRCh37 (hg19) VCF-style: chr12-2791749-G-A.
Other names: p.A1826A:GCG>GCA; c.5622G>A, p.Ala1874= (NM_001129827.2); c.5601G>A, p.Ala1867= (NM_001129829.2); c.5583G>A, p.Ala1861= (NM_001129830.3, NM_001167624.3); c.5562G>A, p.Ala1854= (NM_001129831.2); c.5538G>A, p.Ala1846= (NM_001129832.2); c.5535G>A, p.Ala1845= (NM_001129833.2, NM_001129834.2, NM_001129835.2); c.5529G>A, p.Ala1843= (NM_001129836.2); and 7 more.
Identifiers: ClinVar variation 190625 (VCV000190625.52), dbSNP rs200283756, ClinGen allele CA301172.